The following is an entry in ClinVar:

NM_002834.5(PTPN11):c.1366G>A (p.Val456Met)

Gene: PTPN11 (protein tyrosine phosphatase non-receptor type 11; plus strand). Cytogenetic location: 12q24.13.
Variant type: single nucleotide variant.
Coding change: c.1366G>A on transcript NM_002834.5 (MANE Select); coding-DNA position 1366, G replaced by A.
Protein change: p.Val456Met; replaces valine 456 with methionine.
Molecular consequence: missense variant.
Genome position (GRCh38, 1-based): chr12:112,486,616, G>A. VCF-style: chr12-112486616-G-A. GRCh37 (hg19) VCF-style: chr12-112924420-G-A.
Other names: c.1378G>A, p.Val460Met (NM_001330437.2); c.1363G>A, p.Val455Met (NM_001374625.1); c.1366G>A, p.Val456Met (NM_080601.3); short protein forms V456M, V460M, V455M.
Identifiers: ClinVar variation 44597 (VCV000044597.13), dbSNP rs397516796, ClinGen allele CA134638.

ClinVar aggregate classification (germline): Uncertain significance. Review status: criteria provided, multiple submitters, no conflicts (2 of 4 stars). 3 submissions from 3 submitters: Uncertain significance (3). Last evaluated 2025-10-03.

Conditions:
Juvenile myelomonocytic leukemia (JMML). Also called: LEUKEMIA, JUVENILE MYELOMONOCYTIC, SOMATIC. Identifiers: Orphanet 86834, MedGen C0349639, MONDO:0011908, OMIM 607785, HP:0012209.
Metachondromatosis (METCDS). Identifiers: Orphanet 2499, MedGen C0410530, MONDO:0007979, OMIM 156250.
Noonan syndrome 1 (NS1). Also called: FEMALE PSEUDO-TURNER SYNDROME; PTPN11-Related Noonan Syndrome; TURNER PHENOTYPE WITH NORMAL KARYOTYPE. Identifiers: Orphanet 648, MedGen C4551602, MONDO:0008104, OMIM 163950. Disease mechanism: gain of function.
LEOPARD syndrome 1 (LPRD1). Also called: PTPN11-Related LEOPARD Syndrome; LENTIGINOSIS, CARDIOMYOPATHIC; MULTIPLE LENTIGINES SYNDROME. Identifiers: Orphanet 500, MedGen C4551484, MONDO:0100082, OMIM 151100.
RASopathy. Also called: Noonan spectrum disorder; rasopathies. Identifiers: Orphanet 536391, MedGen C5555857, MONDO:0021060.

Allele frequency attached by ClinVar (database versions not stated): gnomAD 0.00001.
gnomAD v4.1: 26 of 1,612,630 alleles (0.0016%); highest among the groups gnomAD compares: Non-Finnish European, 0.002%; no homozygotes.

Submissions (3):

Labcorp Genetics (formerly Invitae), Labcorp
Classification: Uncertain significance for RASopathy. Last evaluated: 2025-10-03. Review status: criteria provided, single submitter. Criteria: Invitae Variant Classification Sherloc (09022015). Collection method: clinical testing. Allele origin: germline.
Comment: This sequence change replaces valine, which is neutral and non-polar, with methionine, which is neutral and non-polar, at codon 456 of the PTPN11 protein (p.Val456Met). The frequency data for this variant in the population databases is considered unreliable, as metrics indicate poor data quality at this position in the gnomAD database. This variant has not been reported in the literature in individuals affected with PTPN11-related conditions. ClinVar contains an entry for this variant (Variation ID: 44597). Invitae Evidence Modeling of protein sequence and biophysical properties (such as structural, functional, and spatial information, amino acid conservation, physicochemical variation, residue mobility, and thermodynamic stability) has been performed for this missense variant. However, the output from this modeling did not meet the statistical confidence thresholds required to predict the impact of this variant on PTPN11 protein function. In summary, the available evidence is currently insufficient to determine the role of this variant in disease. Therefore, it has been classified as a Variant of Uncertain Significance.

Fulgent Genetics
Classification: Uncertain significance for LEOPARD syndrome 1; Metachondromatosis; Noonan syndrome 1; Juvenile myelomonocytic leukemia. Last evaluated: 2024-03-06. Review status: criteria provided, single submitter. Criteria: ACMG Guidelines, 2015. Collection method: clinical testing. Allele origin: germline.

Laboratory for Molecular Medicine, Mass General Brigham Personalized Medicine
Classification: Uncertain significance. Last evaluated: 2010-10-25. Review status: criteria provided, single submitter. Criteria: LMM Criteria. Collection method: clinical testing. Allele origin: germline. Observed: 1 variant allele.
Comment: The Val456Met variant in PTPN11 has not previously been reported in the literatu re or public databases, and it has not been previously identified by our laborat ory. Therefore, the clinical significance of this variant cannot be determined a t this time.